The following is an entry in ClinVar:

NM_020806.5(GPHN):c.361A>G (p.Asn121Asp)

Gene: GPHN (gephyrin; plus strand). Cytogenetic location: 14q23.3.
Variant type: single nucleotide variant.
Coding change: c.361A>G on transcript NM_020806.5 (MANE Select); coding-DNA position 361, A replaced by G.
Protein change: p.Asn121Asp; replaces asparagine 121 with aspartic acid.
Molecular consequence: missense variant.
Genome position (GRCh38, 1-based): chr14:66,880,005, A>G. VCF-style: chr14-66880005-A-G. GRCh37 (hg19) VCF-style: chr14-67346723-A-G.
Other names: c.361A>G, p.Asn121Asp (NM_001024218.2, NM_001377515.1, NM_001377516.1 and 2 more transcripts); c.400A>G, p.Asn134Asp (NM_001377514.1, NM_001377519.1); short protein forms N121D, N134D.
Identifiers: ClinVar variation 2813528 (VCV002813528.3), dbSNP rs2549499085, ClinGen allele CA390256963.

ClinVar aggregate classification (germline): Uncertain significance (1 of 4 stars; one submission).

Conditions:
Sulfite oxidase deficiency due to molybdenum cofactor deficiency type C. Also called: Molybdenum cofactor deficiency, complementation group C; Molybdenum cofactor deficiency C. Identifiers: Orphanet 308400, Orphanet 833, MedGen C1854990, MONDO:0014212, OMIM 615501.

Submission:

Labcorp Genetics (formerly Invitae), Labcorp
Classification: Uncertain significance for Sulfite oxidase deficiency due to molybdenum cofactor deficiency type C. Last evaluated: 2022-11-15. Review status: criteria provided, single submitter. Criteria: Invitae Variant Classification Sherloc (09022015). Collection method: clinical testing. Allele origin: germline.
Comment: In summary, the available evidence is currently insufficient to determine the role of this variant in disease. Therefore, it has been classified as a Variant of Uncertain Significance. Advanced modeling of protein sequence and biophysical properties (such as structural, functional, and spatial information, amino acid conservation, physicochemical variation, residue mobility, and thermodynamic stability) performed at Invitae indicates that this missense variant is not expected to disrupt GPHN protein function. This variant has not been reported in the literature in individuals affected with GPHN-related conditions. This variant is not present in population databases (gnomAD no frequency). This sequence change replaces asparagine, which is neutral and polar, with aspartic acid, which is acidic and polar, at codon 121 of the GPHN protein (p.Asn121Asp).